The following is an entry in ClinVar:

ClinVar aggregate classification (germline): Uncertain significance (1 of 4 stars; one submission).

Conditions:
Arginine:glycine amidinotransferase deficiency (CCDS3). Also called: Creatine deficiency syndrome due to AGAT deficiency; GATM deficiency; AGAT deficiency; Cerebral creatine deficiency syndrome 3; L-Arginine:Glycine Amidinotransferase (AGAT) Deficiency; L-Arginine:Glycine Amidinotransferase Deficiency. Identifiers: Orphanet 35704, MedGen C2675179, MONDO:0012996, OMIM 612718.

Allele frequency attached by ClinVar (database versions not stated): gnomAD exomes below 0.00001.
gnomAD v4.1: 1 of 1,609,944 alleles (0.000062%); highest among the groups gnomAD compares: Non-Finnish European, 0.000085%; no homozygotes.

Submission:

Labcorp Genetics (formerly Invitae), Labcorp
Classification: Uncertain significance for Arginine:glycine amidinotransferase deficiency. Last evaluated: 2022-07-18. Review status: criteria provided, single submitter. Criteria: Invitae Variant Classification Sherloc (09022015). Collection method: clinical testing. Allele origin: germline.
Comment: This variant is not present in population databases (gnomAD no frequency). In summary, the available evidence is currently insufficient to determine the role of this variant in disease. Therefore, it has been classified as a Variant of Uncertain Significance. Algorithms developed to predict the effect of sequence changes on RNA splicing suggest that this variant may create or strengthen a splice site. Algorithms developed to predict the effect of missense changes on protein structure and function are either unavailable or do not agree on the potential impact of this missense change (SIFT: "Deleterious"; PolyPhen-2: "Benign"; Align-GVGD: "Class C0"). ClinVar contains an entry for this variant (Variation ID: 861077). This variant has not been reported in the literature in individuals affected with GATM-related conditions. This sequence change replaces lysine, which is basic and polar, with arginine, which is basic and polar, at codon 356 of the GATM protein (p.Lys356Arg).

NM_001482.3(GATM):c.1067A>G (p.Lys356Arg)

Gene: GATM (glycine amidinotransferase; minus strand). Cytogenetic location: 15q21.1.
Variant type: single nucleotide variant.
Coding change: c.1067A>G on transcript NM_001482.3 (MANE Select); coding-DNA position 1067, A replaced by G.
Protein change: p.Lys356Arg; replaces lysine 356 with arginine.
Molecular consequence: missense variant.
Genome position (GRCh38, 1-based): chr15:45,363,992, T>C on the plus strand (A>G on the coding strand, the complement: GATM is on the minus strand). VCF-style: chr15-45363992-T-C. GRCh37 (hg19) VCF-style: chr15-45656190-T-C.
Other names: c.680A>G, p.Lys227Arg (NM_001321015.2); short protein forms K227R, K356R.
Identifiers: ClinVar variation 861077 (VCV000861077.9), dbSNP rs1889406981, ClinGen allele CA392256019.
Genomic context (GRCh38, chr15:45,363,992, plus strand): 5'-TCATTGGCATCCACCATAACACGTTTTTCATCTAGCATTAAGACATTCATGGAAAGCCAT[T>C]TGGATGACATCCAGAGTGGATGATCTAAAAACAGCAACAACTGTTAAACCATGTCCGCTA-3'
Protein context (NP_001473.1, residues 346-366): PDDHPLWMSS[Lys356Arg]WLSMNVLMLD